The following is an entry in ClinVar:

NM_000051.4(ATM):c.5063T>A (p.Ile1688Lys)

Gene: ATM (ATM serine/threonine kinase; plus strand). Cytogenetic location: 11q22.3.
Variant type: single nucleotide variant.
Coding change: c.5063T>A on transcript NM_000051.4 (MANE Select); coding-DNA position 5063, T replaced by A.
Protein change: p.Ile1688Lys; replaces isoleucine 1688 with lysine.
Molecular consequence: missense variant.
Genome position (GRCh38, 1-based): chr11:108,299,771, T>A. VCF-style: chr11-108299771-T-A. GRCh37 (hg19) VCF-style: chr11-108170498-T-A.
Other names: c.5063T>A, p.Ile1688Lys (NM_001351834.2); short protein forms I1688K.
Identifiers: ClinVar variation 1745118 (VCV001745118.2), dbSNP rs199836342, ClinGen allele CA382540516.

ClinVar aggregate classification (germline): Uncertain significance (1 of 4 stars; one submission).

Conditions:
Hereditary cancer-predisposing syndrome. Also called: Hereditary Cancer Syndrome; Neoplastic Syndromes, Hereditary; Tumor predisposition; Hereditary neoplastic syndrome. Identifiers: Orphanet 140162, MedGen C0027672, MeSH D009386, MONDO:0015356.

Submission:

Ambry Genetics
Classification: Uncertain significance for Hereditary cancer-predisposing syndrome. Last evaluated: 2021-05-04. Review status: criteria provided, single submitter. Criteria: Ambry Variant Classification Scheme 2023. Collection method: clinical testing. Allele origin: germline.
Comment: The p.I1688K variant (also known as c.5063T>A), located in coding exon 33 of the ATM gene, results from a T to A substitution at nucleotide position 5063. The isoleucine at codon 1688 is replaced by lysine, an amino acid with dissimilar properties. This amino acid position is not well conserved in available vertebrate species. In addition, the in silico prediction for this alteration is inconclusive. Since supporting evidence is limited at this time, the clinical significance of this alteration remains unclear.